The following is an entry in ClinVar:

NM_198904.4(GABRG2):c.290A>G (p.Tyr97Cys)

Gene: GABRG2 (gamma-aminobutyric acid type A receptor subunit gamma2; plus strand). Cytogenetic location: 5q34.
Variant type: single nucleotide variant.
Coding change: c.290A>G on transcript NM_198904.4 (MANE Select); coding-DNA position 290, A replaced by G.
Protein change: p.Tyr97Cys; replaces tyrosine 97 with cysteine.
Molecular consequence: missense variant. On other transcripts: 5 prime UTR variant (2).
Genome position (GRCh38, 1-based): chr5:162,095,525, A>G. VCF-style: chr5-162095525-A-G. GRCh37 (hg19) VCF-style: chr5-161522531-A-G.
Other names: c.290A>G, p.Tyr97Cys (NM_000816.3, NM_001375340.1, NM_001375341.1 and 4 more transcripts); c.281A>G, p.Tyr94Cys (NM_001375339.1); c.224A>G, p.Tyr75Cys (NM_001375345.1, NM_001375346.1); c.203A>G, p.Tyr68Cys (NM_001375347.1); c.-69A>G (NM_001375348.1, NM_001375350.1); c.5A>G, p.Tyr2Cys (NM_001375349.1); short protein forms Y2C, Y68C, Y75C, Y94C, Y97C.
Identifiers: ClinVar variation 3365479 (VCV003365479.1).

ClinVar aggregate classification (germline): Uncertain significance (1 of 4 stars; one submission).

Submission:

GeneDx
Classification: Uncertain significance. Last evaluated: 2023-12-12. Review status: criteria provided, single submitter. Criteria: GeneDx Variant Classification Process June 2021. Collection method: clinical testing. Allele origin: germline. Affected: yes.
Comment: Not observed at significant frequency in large population cohorts (gnomAD); In silico analysis supports that this missense variant has a deleterious effect on protein structure/function; Has not been previously published as pathogenic or benign to our knowledge